The following is an entry in ClinVar:

ClinVar aggregate classification (germline): Pathogenic (1 of 4 stars; one submission).

Conditions:
Fanconi anemia (FA). Also called: Fanconi's anemia. Identifiers: Orphanet 84, MedGen C0015625, MeSH D005199, MONDO:0019391.

Submission:

Labcorp Genetics (formerly Invitae), Labcorp
Classification: Pathogenic for Fanconi anemia. Last evaluated: 2023-12-28. Review status: criteria provided, single submitter. Criteria: Invitae Variant Classification Sherloc (09022015). Collection method: clinical testing. Allele origin: unknown.
Comment: This variant is a gross deletion of the genomic region encompassing exon(s) 31-43 of the FANCA gene, which includes the termination codon. This deletion extends beyond the assayed region for this gene and therefore may encompass additional genes. While this deletion is not anticipated to lead to nonsense mediated decay, it is expected to alter mRNA translation or result in a truncated protein product. A similar copy number variant has been observed in individuals with Fanconi anemia (PMID: 10521298, 19367192, 29098742). This variant disrupts the p.Arg1400 amino acid residue in FANCA. Other variant(s) that disrupt this residue have been determined to be pathogenic (PMID: 15643609, 21273304, 24584348, 28102861, 28717661, 29098742). This suggests that this residue is clinically significant, and that variants that disrupt this residue are likely to be disease-causing. For these reasons, this variant has been classified as Pathogenic.

Literature cited by the submitters: PubMed 10521298; PubMed 19367192; PubMed 29098742; PubMed 15643609; PubMed 21273304; PubMed 24584348; PubMed 28102861; PubMed 28717661.

NC_000016.9:g.(?_89805009)_(89818822_?)del

Genes: FANCA (FA complementation group A; minus strand), ZNF276 (zinc finger protein 276; plus strand). Cytogenetic location: 16q24.3.
Variant type: Deletion.
Identifiers: ClinVar variation 3243270 (VCV003243270.1).